The following is an entry in ClinVar:

ClinVar aggregate classification (germline): Uncertain significance (1 of 4 stars; one submission).

Submission:

Labcorp Genetics (formerly Invitae), Labcorp
Classification: Uncertain significance. Last evaluated: 2021-08-17. Review status: criteria provided, single submitter. Criteria: Invitae Variant Classification Sherloc (09022015). Collection method: clinical testing. Allele origin: germline.
Comment: In summary, the available evidence is currently insufficient to determine the role of this variant in disease. Therefore, it has been classified as a Variant of Uncertain Significance. Algorithms developed to predict the effect of missense changes on protein structure and function are either unavailable or do not agree on the potential impact of this missense change (SIFT: "Deleterious"; PolyPhen-2: "Probably Damaging"; Align-GVGD: "Class C0"). This variant has not been reported in the literature in individuals affected with GALNT12-related conditions. This variant is not present in population databases (ExAC no frequency). This sequence change replaces cysteine with arginine at codon 229 of the GALNT12 protein (p.Cys229Arg). The cysteine residue is highly conserved and there is a large physicochemical difference between cysteine and arginine.

NM_024642.5(GALNT12):c.685T>C (p.Cys229Arg)

Gene: GALNT12 (polypeptide N-acetylgalactosaminyltransferase 12; plus strand). Cytogenetic location: 9q22.33.
Variant type: single nucleotide variant.
Coding change: c.685T>C on transcript NM_024642.5 (MANE Select); coding-DNA position 685, T replaced by C.
Protein change: p.Cys229Arg; replaces cysteine 229 with arginine.
Molecular consequence: missense variant.
Genome position (GRCh38, 1-based): chr9:98,826,895, T>C. VCF-style: chr9-98826895-T-C. GRCh37 (hg19) VCF-style: chr9-101589177-T-C.
Other names: short protein forms C229R.
Identifiers: ClinVar variation 1375579 (VCV001375579.6), dbSNP rs1289967555, ClinGen allele CA374217710.